The following is an entry in ClinVar:

NM_022726.4(ELOVL4):c.370A>G (p.Ile124Val)

Gene: ELOVL4 (ELOVL fatty acid elongase 4; minus strand). Cytogenetic location: 6q14.1.
Variant type: single nucleotide variant.
Coding change: c.370A>G on transcript NM_022726.4 (MANE Select); coding-DNA position 370, A replaced by G.
Protein change: p.Ile124Val; replaces isoleucine 124 with valine.
Molecular consequence: missense variant.
Genome position (GRCh38, 1-based): chr6:79,921,796, T>C on the plus strand (A>G on the coding strand, the complement: ELOVL4 is on the minus strand). VCF-style: chr6-79921796-T-C. GRCh37 (hg19) VCF-style: chr6-80631513-T-C.
Other names: c.370A>G (NM_022726.3); short protein forms I124V.
Identifiers: ClinVar variation 1395863 (VCV001395863.9), dbSNP rs192103032, ClinGen allele CA142271135.
Genomic context (GRCh38, chr6:79,921,796, plus strand): 5'-ACACTGTGTCCAAATACTCAACTCCTTTAGATACAAAGTACCACCACAGAGCAGCAGCTA[T>C]CTGTAAAAAGGGAAAGCGTGTTATAAACACCAAAATGACACTATTGTATGGGTTTATACT-3'
Protein context (NP_073563.1, residues 114-134): DYSNNVHEVR[Ile124Val]AAALWWYFVS

ClinVar aggregate classification (germline): Uncertain significance. Review status: criteria provided, multiple submitters, no conflicts (2 of 4 stars). 3 submissions from 3 submitters: Uncertain significance (3). Last evaluated 2025-04-30.

Conditions:
Inborn genetic diseases. Identifiers: MedGen C0950123, MeSH D030342.

Allele frequency attached by ClinVar (database versions not stated): gnomAD exomes below 0.00001; TOPMed below 0.00001; gnomAD 0.00001; 1000 Genomes Project 30x 0.00016; 1000 Genomes Project 0.00020.
gnomAD v4.1: 5 of 1,613,948 alleles (0.00031%); highest among the groups gnomAD compares: East Asian, 0.0045%; no homozygotes.

Submissions (3):

Ambry Genetics
Classification: Uncertain significance for Inborn genetic diseases. Last evaluated: 2025-04-30. Review status: criteria provided, single submitter. Criteria: Ambry Variant Classification Scheme 2023. Collection method: clinical testing. Allele origin: germline.

Labcorp Genetics (formerly Invitae), Labcorp
Classification: Uncertain significance. Last evaluated: 2025-02-03. Review status: criteria provided, single submitter. Criteria: Invitae Variant Classification Sherloc (09022015). Collection method: clinical testing. Allele origin: germline.
Comment: This sequence change replaces isoleucine, which is neutral and non-polar, with valine, which is neutral and non-polar, at codon 124 of the ELOVL4 protein (p.Ile124Val). This variant is present in population databases (rs192103032, gnomAD 0.006%). This variant has not been reported in the literature in individuals affected with ELOVL4-related conditions. ClinVar contains an entry for this variant (Variation ID: 1395863). An algorithm developed to predict the effect of missense changes on protein structure and function (PolyPhen-2) suggests that this variant is likely to be tolerated. In summary, the available evidence is currently insufficient to determine the role of this variant in disease. Therefore, it has been classified as a Variant of Uncertain Significance.

Women's Health and Genetics/Laboratory Corporation of America, LabCorp
Classification: Uncertain significance. Last evaluated: 2023-07-06. Review status: criteria provided, single submitter. Criteria: LabCorp Variant Classification Summary - May 2015. Collection method: clinical testing. Allele origin: germline.
Comment: Variant summary: ELOVL4 c.370A>G (p.Ile124Val) results in a conservative amino acid change in the encoded protein sequence. Four of five in-silico tools predict a benign effect of the variant on protein function. 4/4 computational tools predict no significant impact on normal splicing. However, these predictions have yet to be confirmed by functional studies. The variant allele was found at a frequency of 4e-06 in 250776 control chromosomes (gnomAD). The available data on variant occurrences in the general population are insufficient to allow any conclusion about variant significance. To our knowledge, no occurrence of c.370A>G in individuals affected with ELOVL4-Related Disorder and no experimental evidence demonstrating its impact on protein function have been reported. One submitter has cited clinical-significance assessments for this variant to ClinVar after 2014 and has classified the variant as uncertain significance. Based on the evidence outlined above, the variant was classified as uncertain significance.